The following is an entry in ClinVar:

ClinVar aggregate classification (germline): Uncertain significance (1 of 4 stars; one submission).

Conditions:
Inborn genetic diseases. Identifiers: MedGen C0950123, MeSH D030342.

gnomAD v4.1: 1 of 1,613,378 alleles (0.000062%); highest among the groups gnomAD compares: Non-Finnish European, 0.000085%; no homozygotes.

Submission:

Ambry Genetics
Classification: Uncertain significance for Inborn genetic diseases. Last evaluated: 2026-06-20. Review status: criteria provided, single submitter. Criteria: Ambry Variant Classification Scheme 2023. Collection method: clinical testing. Allele origin: germline.
Comment: The p.A1520T variant (also known as c.4558G>A), located in coding exon 31 of the ANKRD26 gene, results from a G to A substitution at nucleotide position 4558. The alanine at codon 1520 is replaced by threonine, an amino acid with similar properties. This amino acid position is conserved. In addition, this alteration is predicted to be tolerated by in silico analysis. Based on the available evidence, the clinical significance of this variant remains unclear.

NM_014915.3(ANKRD26):c.4558G>A (p.Ala1520Thr)

Gene: ANKRD26 (ankyrin repeat domain 26; minus strand). Cytogenetic location: 10p12.1.
Variant type: single nucleotide variant.
Coding change: c.4558G>A on transcript NM_014915.3 (MANE Select); coding-DNA position 4558, G replaced by A.
Protein change: p.Ala1520Thr; replaces alanine 1520 with threonine.
Molecular consequence: missense variant.
Genome position (GRCh38, 1-based): chr10:27,014,660, C>T on the plus strand (G>A on the coding strand, the complement: ANKRD26 is on the minus strand). VCF-style: chr10-27014660-C-T. GRCh37 (hg19) VCF-style: chr10-27303589-C-T.
Other names: c.4555G>A, p.Ala1519Thr (NM_001256053.2); short protein forms A1519T, A1520T.
Identifiers: ClinVar variation 5022831 (VCV005022831.1).
Genomic context (GRCh38, chr10:27,014,660, plus strand): 5'-TTTTGGAGAGTTCAGATTCCAGATCTTTAATTCTGAGTTCCATCTGACTTTTCATTGAAG[C>T]AAAATTATTCTCTCTAAACTGCTCTAAGTTTTCTTGAGATGCTGCTTGTGCCTAAAACAA-3'
Protein context (NP_055730.2, residues 1510-1530): NLEQFRENNF[Ala1520Thr]SMKSQMELRI